The following is an entry in ClinVar:

NM_001291303.3(FAT4):c.12406A>G (p.Ile4136Val)

Gene: FAT4 (FAT atypical cadherin 4; plus strand). Cytogenetic location: 4q28.1.
Variant type: single nucleotide variant.
Coding change: c.12406A>G on transcript NM_001291303.3 (MANE Select); coding-DNA position 12406, A replaced by G.
Protein change: p.Ile4136Val; replaces isoleucine 4136 with valine.
Molecular consequence: missense variant.
Genome position (GRCh38, 1-based): chr4:125,477,261, A>G. VCF-style: chr4-125477261-A-G. GRCh37 (hg19) VCF-style: chr4-126398416-A-G.
Other names: c.12406A>G, p.Ile4136Val (NM_001291285.3); c.12400A>G (NM_024582.4, NM_024582.5); c.12400A>G, p.Ile4134Val (NM_024582.6); short protein forms I4136V, I4134V.
Identifiers: ClinVar variation 1447878 (VCV001447878.8), dbSNP rs149985937, ClinGen allele CA3074083.

ClinVar aggregate classification (germline): Uncertain significance. Review status: criteria provided, multiple submitters, no conflicts (2 of 4 stars). 3 submissions from 3 submitters: Uncertain significance (3). Last evaluated 2025-08-06.

Conditions:
Inborn genetic diseases. Identifiers: MedGen C0950123, MeSH D030342.
Hennekam lymphangiectasia-lymphedema syndrome 2 (HKLLS2). Identifiers: Orphanet 2136, MedGen C4014939, MONDO:0014454, OMIM 616006.
Van Maldergem syndrome 2 (VMLDS2). Identifiers: Orphanet 314679, MedGen C3809875, MONDO:0014242, OMIM 615546.

Allele frequency attached by ClinVar (database versions not stated): gnomAD exomes 0.00001 and 0.00002; ExAC 0.00002; gnomAD 0.00003; TOPMed 0.00005; ESP Exome Variant Server 0.00015.
gnomAD v4.1: 19 of 1,583,944 alleles (0.0012%); highest among the groups gnomAD compares: African/African-American, 0.014%; no homozygotes.

Submissions (3):

Ambry Genetics
Classification: Uncertain significance for Inborn genetic diseases. Last evaluated: 2025-08-06. Review status: criteria provided, single submitter. Criteria: Ambry Variant Classification Scheme 2023. Collection method: clinical testing. Allele origin: germline.

Labcorp Genetics (formerly Invitae), Labcorp
Classification: Uncertain significance. Last evaluated: 2024-05-17. Review status: criteria provided, single submitter. Criteria: Invitae Variant Classification Sherloc (09022015). Collection method: clinical testing. Allele origin: germline.
Comment: This sequence change replaces isoleucine, which is neutral and non-polar, with valine, which is neutral and non-polar, at codon 4134 of the FAT4 protein (p.Ile4134Val). This variant is present in population databases (rs149985937, gnomAD 0.003%). This variant has not been reported in the literature in individuals affected with FAT4-related conditions. ClinVar contains an entry for this variant (Variation ID: 1447878). Advanced modeling of protein sequence and biophysical properties (such as structural, functional, and spatial information, amino acid conservation, physicochemical variation, residue mobility, and thermodynamic stability) performed at Invitae indicates that this missense variant is not expected to disrupt FAT4 protein function with a negative predictive value of 80%. In summary, the available evidence is currently insufficient to determine the role of this variant in disease. Therefore, it has been classified as a Variant of Uncertain Significance.

Fulgent Genetics
Classification: Uncertain significance for Van Maldergem syndrome 2; Hennekam lymphangiectasia-lymphedema syndrome 2. Last evaluated: 2024-02-22. Review status: criteria provided, single submitter. Criteria: ACMG Guidelines, 2015. Collection method: clinical testing. Allele origin: germline.